The following is an entry in ClinVar:

ClinVar aggregate classification (germline): Benign (0 of 4 stars; one submission).

Conditions:
ATE1-related disorder. Also called: ATE1-related condition.

Allele frequency attached by ClinVar (database versions not stated): 1000 Genomes Project 0.88918; TOPMed 0.88933; 1000 Genomes Project 30x 0.89038; ExAC 0.89795; gnomAD 0.89954; ESP Exome Variant Server 0.90971; gnomAD exomes 0.91426.
gnomAD v4.1: 1,438,026 of 1,575,284 alleles (91%); highest among the groups gnomAD compares: Middle Eastern, 94%; 657,356 homozygotes.

Submission:

PreventionGenetics, part of Exact Sciences
Classification: Benign for ATE1-related condition. Last evaluated: 2019-10-17. Review status: no assertion criteria provided. Collection method: clinical testing. Allele origin: germline.
Comment: This variant is classified as benign based on ACMG/AMP sequence variant interpretation guidelines (Richards et al. 2015 PMID: 25741868, with internal and published modifications).

NM_001001976.3(ATE1):c.1236A>G (p.Ser412=)

Gene: ATE1 (arginyltransferase 1; minus strand). Cytogenetic location: 10q26.13.
Variant type: single nucleotide variant.
Coding change: c.1236A>G on transcript NM_001001976.3 (MANE Select); coding-DNA position 1236, A replaced by G.
Protein change: p.Ser412=; no amino-acid change (serine 412 retained).
Molecular consequence: synonymous variant. On other transcripts: non-coding transcript variant (1).
Genome position (GRCh38, 1-based): chr10:121,836,739, T>C on the plus strand (A>G on the coding strand, the complement: ATE1 is on the minus strand). VCF-style: chr10-121836739-T-C. GRCh37 (hg19) VCF-style: chr10-123596254-T-C.
Other names: c.891A>G, p.Ser297= (NM_001288734.2); c.948A>G, p.Ser316= (NM_001288735.2); c.1215A>G, p.Ser405= (NM_001288736.2); c.1236A>G, p.Ser412= (NM_007041.4).
Identifiers: ClinVar variation 3060294 (VCV003060294.2), dbSNP rs4237536, ClinGen allele CA5721403.
Genomic context (GRCh38, chr10:121,836,739, plus strand): 5'-TCTATAATAAAAATACACATATGTGAAAATCAACTTTACCTTATATTTCATCTTGGGACA[T>C]GAATGAATGTAGAAACCCATATAATAATAGCTGAGTTGAGAAGTTTTCTCATGAAGCTGC-3'
Protein context (NP_001001976.1, residues 402-422): SYYYMGFYIH[Ser412=]CPKMKYKGQY